The following is an entry in ClinVar:

NM_000204.5(CFI):c.622G>A (p.Asp208Asn)

Gene: CFI (complement factor I; minus strand). Cytogenetic location: 4q25.
Variant type: single nucleotide variant.
Coding change: c.622G>A on transcript NM_000204.5 (MANE Select); coding-DNA position 622, G replaced by A.
Protein change: p.Asp208Asn; replaces aspartic acid 208 with asparagine.
Molecular consequence: missense variant. On other transcripts: non-coding transcript variant (3).
Genome position (GRCh38, 1-based): chr4:109,761,553, C>T on the plus strand (G>A on the coding strand, the complement: CFI is on the minus strand). VCF-style: chr4-109761553-C-T. GRCh37 (hg19) VCF-style: chr4-110682709-C-T.
Other names: c.622G>A, p.Asp208Asn (NM_001318057.2, NM_001331035.2, NM_001375278.1 and 5 more transcripts); c.13G>A, p.Asp5Asn (NM_001375284.1); short protein forms D208N, D5N.
Identifiers: ClinVar variation 1704880 (VCV001704880.9), dbSNP rs1212979895, ClinGen allele CA357862594.
Genomic context (GRCh38, chr4:109,761,553, plus strand): 5'-ATAACAGGCAAATACTCCACCAACCTGCTTTCTGTGTATAACAAACCACATCAGCGAAAT[C>T]CTGGTAACCCATAGTTCTTCTCTTAGTAAAAGTACATTCAGCCAAACTGGTCTCTAATCC-3'
Protein context (NP_000195.3, residues 198-218): FTKRRTMGYQ[Asp208Asn]FADVVCYTQK

ClinVar aggregate classification (germline): Uncertain significance. Review status: criteria provided, multiple submitters, no conflicts (2 of 4 stars). 4 submissions from 4 submitters: Uncertain significance (4). Last evaluated 2025-09-26.

Conditions:
Atypical hemolytic-uremic syndrome. Identifiers: Orphanet 2134, MedGen C2931788, MONDO:0016244.

Allele frequency attached by ClinVar (database versions not stated): TOPMed below 0.00001; gnomAD exomes 0.00001.
gnomAD v4.1: 3 of 1,614,114 alleles (0.00019%); highest among the groups gnomAD compares: Admixed American, 0.0017%; no homozygotes.

Submissions (4):

Genomenon, Inc
Classification: Uncertain significance for Atypical hemolytic-uremic syndrome. Last evaluated: 2025-09-26. Review status: criteria provided, single submitter. Criteria: Genomenon Sequence Variant Interpretation Standards - Updated. Collection method: curation. Allele origin: germline. Affected: yes.
Comment: CFI p.Asp208Asn (c.622G>A) is a missense variant that changes the amino acid at residue 208 from Aspartic acid to Asparagine. This variant has been observed in at least one proband affected with atypical hemolytic-uremic syndrome (PMID:35619721). Functional studies have been reported; however, the significance of the findings remain unclear (PMID:35619721). It is absent or not present at a significant frequency in gnomAD. In silico models agree that this variant is not damaging. In conclusion, we classify CFI p.Asp208Asn (c.622G>A) as a variant of unknown significance.

Labcorp Genetics (formerly Invitae), Labcorp
Classification: Uncertain significance. Last evaluated: 2025-05-13. Review status: criteria provided, single submitter. Criteria: Invitae Variant Classification Sherloc (09022015). Collection method: clinical testing. Allele origin: germline.
Comment: This sequence change replaces aspartic acid, which is acidic and polar, with asparagine, which is neutral and polar, at codon 208 of the CFI protein (p.Asp208Asn). This variant is present in population databases (no rsID available, gnomAD 0.003%). This variant has not been reported in the literature in individuals affected with CFI-related conditions. ClinVar contains an entry for this variant (Variation ID: 1704880). Invitae Evidence Modeling of protein sequence and biophysical properties (such as structural, functional, and spatial information, amino acid conservation, physicochemical variation, residue mobility, and thermodynamic stability) indicates that this missense variant is not expected to disrupt CFI protein function with a negative predictive value of 80%. In summary, the available evidence is currently insufficient to determine the role of this variant in disease. Therefore, it has been classified as a Variant of Uncertain Significance.

Women's Health and Genetics/Laboratory Corporation of America, LabCorp
Classification: Uncertain significance. Last evaluated: 2023-11-10. Review status: criteria provided, single submitter. Criteria: LabCorp Variant Classification Summary - May 2015. Collection method: clinical testing. Allele origin: germline.
Comment: Variant summary: CFI c.622G>A (p.Asp208Asn) results in a conservative amino acid change located in the SRCR domain (IPR001190) of the encoded protein sequence. Five of five in-silico tools predict a benign effect of the variant on protein function. The variant allele was found at a frequency of 4e-06 in 251440 control chromosomes. The available data on variant occurrences in the general population are insufficient to allow any conclusion about variant significance. To our knowledge, no occurrence of c.622G>A in individuals affected with Complement Factor I Deficiency and no experimental evidence demonstrating its impact on protein function have been reported. Two submitters have cited clinical-significance assessments for this variant to ClinVar after 2014. Both submitters classified the variant as uncertain significance. Based on the evidence outlined above, the variant was classified as uncertain significance.

GeneDx
Classification: Uncertain significance. Last evaluated: 2022-03-03. Review status: criteria provided, single submitter. Criteria: GeneDx Variant Classification Process June 2021. Collection method: clinical testing. Allele origin: germline. Affected: yes.
Comment: Not observed at significant frequency in large population cohorts (gnomAD); In silico analysis supports that this missense variant does not alter protein structure/function; Has not been previously published as pathogenic or benign to our knowledge

Literature cited by the submitters: PubMed 35619721 (cited by Genomenon, Inc).